The following is an entry in ClinVar:

NM_006892.4(DNMT3B):c.274C>T (p.Arg92Trp)

Gene: DNMT3B (DNA methyltransferase 3 beta; plus strand). Cytogenetic location: 20q11.21.
Variant type: single nucleotide variant.
Coding change: c.274C>T on transcript NM_006892.4 (MANE Select); coding-DNA position 274, C replaced by T.
Protein change: p.Arg92Trp; replaces arginine 92 with tryptophan.
Molecular consequence: missense variant. On other transcripts: intron variant (1).
Genome position (GRCh38, 1-based): chr20:32,784,827, C>T. VCF-style: chr20-32784827-C-T. GRCh37 (hg19) VCF-style: chr20-31372633-C-T.
Other names: c.274C>T, p.Arg92Trp (NM_001207055.2, NM_175848.2, NM_175849.2); c.310C>T, p.Arg104Trp (NM_175850.3); c.205-2403C>T (NM_001207056.2); short protein forms R104W, R92W.
Identifiers: ClinVar variation 851975 (VCV000851975.10), dbSNP rs149520896, ClinGen allele CA9810115.

ClinVar aggregate classification (germline): Uncertain significance. Review status: criteria provided, multiple submitters, no conflicts (2 of 4 stars). 2 submissions from 2 submitters: Uncertain significance (2). Last evaluated 2022-03-07.

Conditions:
Centromeric instability of chromosomes 1,9 and 16 and immunodeficiency (ICF1). Also called: IMMUNE DEFICIENCY, VARIABLE, WITH CENTROMERIC INSTABILITY OF CHROMOSOMES 1, 9, AND 16; IMMUNODEFICIENCY SYNDROME, VARIABLE; Immunodeficiency-centromeric instability-facial anomalies; CENTROMERIC INSTABILITY, IMMUNODEFICIENCY SYNDROME. Identifiers: Orphanet 2268, MedGen C0398788, MONDO:0000133.
Immunodeficiency-centromeric instability-facial anomalies syndrome 1 (ICF1). Identifiers: Orphanet 2268, MedGen C4551557, MONDO:0009454, OMIM 242860.

Allele frequency attached by ClinVar (database versions not stated): ExAC 0.00003; gnomAD 0.00003; gnomAD exomes 0.00004; TOPMed 0.00004; ESP Exome Variant Server 0.00008; 1000 Genomes Project 0.00040; 1000 Genomes Project 30x 0.00062.

Submissions (2):

Labcorp Genetics (formerly Invitae), Labcorp
Classification: Uncertain significance for Centromeric instability of chromosomes 1,9 and 16 and immunodeficiency. Last evaluated: 2022-03-07. Review status: criteria provided, single submitter. Criteria: Invitae Variant Classification Sherloc (09022015). Collection method: clinical testing. Allele origin: germline.
Comment: This sequence change replaces arginine, which is basic and polar, with tryptophan, which is neutral and slightly polar, at codon 92 of the DNMT3B protein (p.Arg92Trp). This variant is present in population databases (rs149520896, gnomAD 0.007%). This variant has not been reported in the literature in individuals affected with DNMT3B-related conditions. ClinVar contains an entry for this variant (Variation ID: 851975). Algorithms developed to predict the effect of missense changes on protein structure and function are either unavailable or do not agree on the potential impact of this missense change (SIFT: "Deleterious"; PolyPhen-2: "Probably Damaging"; Align-GVGD: "Class C0"). In summary, the available evidence is currently insufficient to determine the role of this variant in disease. Therefore, it has been classified as a Variant of Uncertain Significance.

Illumina Laboratory Services, Illumina
Classification: Uncertain significance for Immunodeficiency-centromeric instability-facial anomalies syndrome 1. Last evaluated: 2018-01-13. Review status: criteria provided, single submitter. Criteria: ICSL Variant Classification Criteria 13 December 2019. Collection method: clinical testing. Allele origin: germline.